The following is an entry in ClinVar:

NM_015512.5(DNAH1):c.1182T>C (p.Tyr394=)

Gene: DNAH1 (dynein axonemal heavy chain 1; plus strand). Cytogenetic location: 3p21.1.
Variant type: single nucleotide variant.
Coding change: c.1182T>C on transcript NM_015512.5 (MANE Select); coding-DNA position 1182, T replaced by C.
Protein change: p.Tyr394=; no amino-acid change (tyrosine 394 retained).
Molecular consequence: synonymous variant.
Genome position (GRCh38, 1-based): chr3:52,332,290, T>C. VCF-style: chr3-52332290-T-C. GRCh37 (hg19) VCF-style: chr3-52366306-T-C.
Identifiers: ClinVar variation 757449 (VCV000757449.25), dbSNP rs757617865, ClinGen allele CA74733330.

ClinVar aggregate classification (germline): Likely benign. Review status: criteria provided, multiple submitters, no conflicts (2 of 4 stars). 2 submissions from 2 submitters: Likely benign (2). Last evaluated 2024-01-01.

Allele frequency attached by ClinVar (database versions not stated): gnomAD exomes below 0.00001; TOPMed below 0.00001.
gnomAD v4.1: 2 of 1,614,066 alleles (0.00012%); highest among the groups gnomAD compares: Non-Finnish European, 0.00017%; no homozygotes.

Submissions (2):

CeGaT Center for Human Genetics Tuebingen
Classification: Likely benign. Last evaluated: 2024-01-01. Review status: criteria provided, single submitter. Criteria: CeGaT Center For Human Genetics Tuebingen Variant Classification Criteria Version 2. Collection method: clinical testing. Allele origin: germline. Affected: yes. Observed: 1 variant allele.
Comment: DNAH1: BP4, BP7

Labcorp Genetics (formerly Invitae), Labcorp
Classification: Likely benign. Last evaluated: 2018-07-06. Review status: criteria provided, single submitter. Criteria: Invitae Variant Classification Sherloc (09022015). Collection method: clinical testing. Allele origin: germline.